The following is an entry in ClinVar:

ClinVar aggregate classification (germline): Pathogenic (1 of 4 stars; one submission).

Conditions:
Hereditary factor XI deficiency disease. Also called: PLASMA THROMBOPLASTIN ANTECEDENT DEFICIENCY; PTA DEFICIENCY; ROSENTHAL SYNDROME; Congenital factor XI deficiency. Identifiers: Orphanet 329, MedGen C0015523, MeSH D005173, MONDO:0012897, OMIM 612416.

Submission:

Myriad Genetics, Inc.
Classification: Pathogenic for Hereditary factor XI deficiency disease. Last evaluated: 2023-11-23. Review status: criteria provided, single submitter. Criteria: Myriad Autosomal Dominant, Autosomal Recessive and X-Linked Classification Criteria (2023). Collection method: clinical testing. Allele origin: unknown.
Comment: NM_000128.3(F11):c.1342_1343insCAGA(I448Tfs*7) is expected to be pathogenic in the context of factor XI deficiency. This variant is predicted to lead to an abnormal or absent protein product due to the creation of a premature termination codon in F11, a gene where loss-of-function variants are known to be pathogenic. Please note: this variant was assessed in the context of healthy population screening.

NM_000128.4(F11):c.1342_1343insCAGA (p.Ile448fs)

Gene: F11 (coagulation factor XI; plus strand). Cytogenetic location: 4q35.2.
Variant type: Insertion.
Coding change: c.1342_1343insCAGA on transcript NM_000128.4 (MANE Select); coding-DNA positions 1342 to 1343, CAGA inserted.
Protein change: p.Ile448fs; shifts the reading frame from isoleucine 448.
Molecular consequence: frameshift variant.
Genome position: GRCh38 VCF-style: chr4-186285674-C-CACAG. GRCh37 (hg19) VCF-style: chr4-187206828-C-CACAG.
Other names: c.1294_1295insCAGA, p.Ile432fs (NM_001440590.1, NM_001440596.1); c.1342_1343insCAGA, p.Ile448fs (NM_001440593.1); c.1072_1073insCAGA, p.Ile358fs (NM_001440605.1, NM_001440607.1); c.1024_1025insCAGA, p.Ile342fs (NM_001440606.1, NM_001440608.1); short protein forms I342fs, I358fs, I432fs, I448fs.
Identifiers: ClinVar variation 5012516 (VCV005012516.1).